The following is an entry in ClinVar:

NM_016169.4(SUFU):c.946_952del (p.Leu316fs)

Gene: SUFU (SUFU negative regulator of hedgehog signaling; plus strand). Cytogenetic location: 10q24.32.
Variant type: Deletion.
Coding change: c.946_952del on transcript NM_016169.4 (MANE Select); coding-DNA positions 946 to 952, 7 bases deleted (CTCGAGA; older notation c.946_952delCTCGAGA).
Protein change: p.Leu316fs; shifts the reading frame from leucine 316.
Molecular consequence: frameshift variant.
Genome position (GRCh38, 1-based): chr10:102,599,468-102,599,474, CTCGAGA deleted; deleting any 7 consecutive bases within chr10:102,599,466-102,599,474 gives the same sequence; the c. name uses the placement nearest the transcript's 3' end. VCF-style (leftmost placement, unchanged base first): chr10-102599465-GGACTCGA-G. GRCh37 (hg19) VCF-style: chr10-104359222-GGACTCGA-G.
Other names: c.946_952del, p.Leu316fs (NM_001178133.2); short protein forms L316fs.
Identifiers: ClinVar variation 2501297 (VCV002501297.2), dbSNP rs2545100510, ClinGen allele CA2580616860.
Genomic context (GRCh38, chr10:102,599,465, plus strand): 5'-ACTGGGCAACTTAGTGGTGTCGTTGCAGACACAGAGCAGATCCGGGAGACCCTGAGGAGA[GGACTCGA>G]GATCAACAGCAAACCTGTCCTTCCACCAATCAACCCTCAGCGGCAGAATGGCCTCGCCCA-3'

ClinVar aggregate classification (germline): Likely pathogenic (1 of 4 stars; one submission).

Conditions:
Basal cell nevus syndrome 2 (BCNS2). Also called: NEVOID BASAL CELL CARCINOMA SYNDROME 2. Identifiers: MedGen C5830451, MONDO:0958189, OMIM 620343.

Submission:

Institute of Human Genetics, University of Goettingen
Classification: Likely pathogenic for Basal cell nevus syndrome 2. Last evaluated: 2023-05-05. Review status: criteria provided, single submitter. Criteria: ACMG Guidelines, 2015. Collection method: clinical testing. Allele origin: unknown. Inheritance: Autosomal dominant inheritance. Affected: yes. Observed: 1 heterozygote.
Comment: The variant c.946_952del (p.(Leu316Serfs*43)) in exon 8 of the SUFU gene is not found in the gnomAD database and it creates a frame shift starting at codon Leu316. The new reading frame ends in a STOP codon at position 43. Truncating variants in the SUFU gene are a known mechanism of disease. ACMG criteria used for classification: PVS1, PM2.